The following is an entry in ClinVar:

NM_000883.4(IMPDH1):c.281G>T (p.Gly94Val)

Gene: IMPDH1 (inosine monophosphate dehydrogenase 1; minus strand). Cytogenetic location: 7q32.1.
Variant type: single nucleotide variant.
Coding change: c.281G>T on transcript NM_000883.4 (MANE Select); coding-DNA position 281, G replaced by T.
Protein change: p.Gly94Val; replaces glycine 94 with valine.
Molecular consequence: missense variant. On other transcripts: intron variant (2).
Genome position (GRCh38, 1-based): chr7:128,405,839, C>A on the plus strand (G>T on the coding strand, the complement: IMPDH1 is on the minus strand). VCF-style: chr7-128405839-C-A. GRCh37 (hg19) VCF-style: chr7-128045893-C-A.
Other names: c.173G>T, p.Gly58Val (NM_183243.3); c.147-2085G>T (NM_001304521.2); c.255-2085G>T (NM_001142576.2); c.251G>T, p.Gly84Val (NM_001102605.2); c.26G>T, p.Gly9Val (NM_001142573.2, NM_001142574.2, NM_001142575.2); short protein forms G84V, G58V, G94V, G9V.
Identifiers: ClinVar variation 866892 (VCV000866892.11), dbSNP rs1192233271, ClinGen allele CA369178515.
Genomic context (GRCh38, chr7:128,405,839, plus strand): 5'-CCGTCGGCGCTGGCGAAGAGCTGCTGCGCGGTGAGCCCATCCTCGGGCACGTAGCCGGTG[C>A]CGCCGCTGATCAGGTAGTCCGCCATGCTGCCGCGAGACCCCGCGACCCGACATAAACACC-3'
Protein context (NP_000874.2, residues 84-104): ASMADYLISG[Gly94Val]TGYVPEDGLT

ClinVar aggregate classification (germline): Uncertain significance. Review status: criteria provided, multiple submitters, no conflicts (2 of 4 stars). 2 submissions from 2 submitters: Uncertain significance (2). Last evaluated 2023-05-22.

Allele frequency attached by ClinVar (database versions not stated): TOPMed below 0.00001; gnomAD 0.00001.

Submissions (2):

Labcorp Genetics (formerly Invitae), Labcorp
Classification: Uncertain significance. Last evaluated: 2023-05-22. Review status: criteria provided, single submitter. Criteria: Invitae Variant Classification Sherloc (09022015). Collection method: clinical testing. Allele origin: germline.
Comment: In summary, the available evidence is currently insufficient to determine the role of this variant in disease. Therefore, it has been classified as a Variant of Uncertain Significance. An algorithm developed to predict the effect of missense changes on protein structure and function (PolyPhen-2) suggests that this variant is likely to be tolerated. ClinVar contains an entry for this variant (Variation ID: 866892). This variant has not been reported in the literature in individuals affected with IMPDH1-related conditions. This variant is not present in population databases (gnomAD no frequency). This sequence change replaces glycine, which is neutral and non-polar, with valine, which is neutral and non-polar, at codon 94 of the IMPDH1 protein (p.Gly94Val).

Blueprint Genetics
Classification: Uncertain significance. Last evaluated: 2021-03-01. Review status: criteria provided, single submitter. Criteria: ACMG Guidelines, 2015. Collection method: clinical testing. Allele origin: germline.